The following is an entry in ClinVar:

ClinVar aggregate classification (germline): Uncertain significance (1 of 4 stars; one submission).

Conditions:
Joubert syndrome. Also called: CEREBELLOPARENCHYMAL DISORDER IV; JOUBERT-BOLTSHAUSER SYNDROME; Familial aplasia of the vermis. Identifiers: Orphanet 475, MedGen C5979921, MONDO:0018772.
Nephronophthisis. Also called: Juvenile Nephronophthisis. Identifiers: Orphanet 655, MedGen C0687120, MONDO:0019005, HP:0000090.
Meckel-Gruber syndrome. Also called: DYSENCEPHALIA SPLANCHNOCYSTICA; GRUBER SYNDROME; Dysencephalia splachnocystica. Identifiers: Orphanet 564, MedGen C0265215, MONDO:0018921.

Submission:

Labcorp Genetics (formerly Invitae), Labcorp
Classification: Uncertain significance for Joubert syndrome; Meckel-Gruber syndrome; Nephronophthisis. Last evaluated: 2022-02-10. Review status: criteria provided, single submitter. Criteria: Invitae Variant Classification Sherloc (09022015). Collection method: clinical testing. Allele origin: germline.
Comment: This variant has not been reported in the literature in individuals affected with CEP290-related conditions. This sequence change replaces arginine, which is basic and polar, with serine, which is neutral and polar, at codon 898 of the CEP290 protein (p.Arg898Ser). This variant is not present in population databases (gnomAD no frequency). Algorithms developed to predict the effect of missense changes on protein structure and function are either unavailable or do not agree on the potential impact of this missense change (SIFT: "Tolerated"; PolyPhen-2: "Probably Damaging"; Align-GVGD: "Class C0"). In summary, the available evidence is currently insufficient to determine the role of this variant in disease. Therefore, it has been classified as a Variant of Uncertain Significance.

NM_025114.4(CEP290):c.2694G>C (p.Arg898Ser)

Gene: CEP290 (centrosomal protein 290; minus strand). Cytogenetic location: 12q21.32.
Variant type: single nucleotide variant.
Coding change: c.2694G>C on transcript NM_025114.4 (MANE Select); coding-DNA position 2694, G replaced by C.
Protein change: p.Arg898Ser; replaces arginine 898 with serine.
Molecular consequence: missense variant.
Genome position (GRCh38, 1-based): chr12:88,106,798, C>G on the plus strand (G>C on the coding strand, the complement: CEP290 is on the minus strand). VCF-style: chr12-88106798-C-G. GRCh37 (hg19) VCF-style: chr12-88500575-C-G.
Other names: short protein forms R898S.
Identifiers: ClinVar variation 1403347 (VCV001403347.8), dbSNP rs2038314186, ClinGen allele CA385971173.